The following is an entry in ClinVar:

NM_004360.5(CDH1):c.759C>A (p.Thr253=)

Gene: CDH1 (cadherin 1; plus strand). Cytogenetic location: 16q22.1.
Variant type: single nucleotide variant.
Coding change: c.759C>A on transcript NM_004360.5 (MANE Select); coding-DNA position 759, C replaced by A.
Protein change: p.Thr253=; no amino-acid change (threonine 253 retained).
Molecular consequence: synonymous variant. On other transcripts: 5 prime UTR variant (2).
Genome position (GRCh38, 1-based): chr16:68,810,268, C>A. VCF-style: chr16-68810268-C-A. GRCh37 (hg19) VCF-style: chr16-68844171-C-A.
Other names: c.759C>A (LRG_301t1); c.759C>A, p.Thr253= (NM_001317184.2); c.-857C>A (NM_001317185.2); c.-1061C>A (NM_001317186.2).
Identifiers: ClinVar variation 646170 (VCV000646170.12), dbSNP rs372934565, ClinGen allele CA496152795.

ClinVar aggregate classification (germline): Benign/Likely benign. Review status: criteria provided, multiple submitters, no conflicts (2 of 4 stars). 4 submissions from 4 submitters: Benign (1); Likely benign (3). Last evaluated 2024-11-14.

Conditions:
Hereditary diffuse gastric adenocarcinoma (HDGC). Also called: DIFFUSE GASTRIC AND LOBULAR BREAST CANCER SYNDROME. Identifiers: Orphanet 26106, MedGen C1708349, MONDO:0007648, OMIM 137215.
Hereditary cancer-predisposing syndrome. Also called: Neoplastic Syndromes, Hereditary; Hereditary Cancer Syndrome; Hereditary neoplastic syndrome; Tumor predisposition. Identifiers: Orphanet 140162, MedGen C0027672, MeSH D009386, MONDO:0015356.

Allele frequency attached by ClinVar (database versions not stated): TOPMed 0.00001.
gnomAD v4.1: 4 of 1,613,576 alleles (0.00025%); highest among the groups gnomAD compares: Admixed American, 0.0067%; no homozygotes.

Submissions (4):

Labcorp Genetics (formerly Invitae), Labcorp
Classification: Likely benign for Hereditary diffuse gastric adenocarcinoma. Last evaluated: 2024-11-14. Review status: criteria provided, single submitter. Criteria: Invitae Variant Classification Sherloc (09022015). Collection method: clinical testing. Allele origin: germline.

Myriad Genetics, Inc.
Classification: Benign for Hereditary diffuse gastric adenocarcinoma. Last evaluated: 2024-09-16. Review status: criteria provided, single submitter. Criteria: Myriad Autosomal Dominant, Autosomal Recessive and X-Linked Classification Criteria (2023). Collection method: clinical testing. Allele origin: unknown.
Comment: This variant is considered benign. This variant is a silent/synonymous amino acid change and it is not expected to impact splicing.

Ambry Genetics
Classification: Likely benign for Hereditary cancer-predisposing syndrome. Last evaluated: 2022-06-13. Review status: criteria provided, single submitter. Criteria: Ambry Variant Classification Scheme 2023. Collection method: clinical testing. Allele origin: germline.

Color Diagnostics, LLC DBA Color Health
Classification: Likely benign for Hereditary cancer-predisposing syndrome. Last evaluated: 2019-01-08. Review status: criteria provided, single submitter. Criteria: ACMG Guidelines, 2015. Collection method: clinical testing. Allele origin: germline.